The following is an entry in ClinVar:

ClinVar aggregate classification (germline): Uncertain significance. Review status: criteria provided, multiple submitters, no conflicts (2 of 4 stars). 3 submissions from 3 submitters: Uncertain significance (3). Last evaluated 2026-02-17.

Conditions:
Inborn genetic diseases. Identifiers: MedGen C0950123, MeSH D030342.
LAMA5-related disorder. Also called: LAMA5-related condition; LAMA5-Related Disorders.

Allele frequency attached by ClinVar (database versions not stated): ExAC 0.00002; TOPMed 0.00002; gnomAD exomes 0.00004; gnomAD 0.00005.

Submissions (3):

PreventionGenetics, part of Exact Sciences
Classification: Uncertain significance for LAMA5-related condition. Last evaluated: 2026-02-17. Review status: criteria provided, single submitter. Criteria: ACMG Guidelines, 2015. Collection method: clinical testing. Allele origin: germline.
Comment: The LAMA5 c.2096G>A variant is predicted to result in the amino acid substitution p.Arg699Gln. To our knowledge, this variant has not been reported in the literature. This variant is reported in 0.0057% of alleles in individuals of Latino descent in gnomAD. At this time, the clinical significance of this variant is uncertain due to the absence of conclusive functional and genetic evidence.

Labcorp Genetics (formerly Invitae), Labcorp
Classification: Uncertain significance. Last evaluated: 2024-05-13. Review status: criteria provided, single submitter. Criteria: Invitae Variant Classification Sherloc (09022015). Collection method: clinical testing. Allele origin: germline.
Comment: This sequence change replaces arginine, which is basic and polar, with glutamine, which is neutral and polar, at codon 699 of the LAMA5 protein (p.Arg699Gln). This variant is present in population databases (rs761703934, gnomAD 0.006%). This variant has not been reported in the literature in individuals affected with LAMA5-related conditions. An algorithm developed to predict the effect of missense changes on protein structure and function (PolyPhen-2) suggests that this variant is likely to be disruptive. In summary, the available evidence is currently insufficient to determine the role of this variant in disease. Therefore, it has been classified as a Variant of Uncertain Significance.

Ambry Genetics
Classification: Uncertain significance for Inborn genetic diseases. Last evaluated: 2024-01-03. Review status: criteria provided, single submitter. Criteria: Ambry Variant Classification Scheme 2023. Collection method: clinical testing. Allele origin: germline.

NM_005560.6(LAMA5):c.2096G>A (p.Arg699Gln)

Gene: LAMA5 (laminin subunit alpha 5; minus strand). Cytogenetic location: 20q13.33.
Variant type: single nucleotide variant.
Coding change: c.2096G>A on transcript NM_005560.6 (MANE Select); coding-DNA position 2096, G replaced by A.
Protein change: p.Arg699Gln; replaces arginine 699 with glutamine.
Molecular consequence: missense variant.
Genome position (GRCh38, 1-based): chr20:62,337,658, C>T on the plus strand (G>A on the coding strand, the complement: LAMA5 is on the minus strand). VCF-style: chr20-62337658-C-T. GRCh37 (hg19) VCF-style: chr20-60912714-C-T.
Other names: c.2096G>A (NM_005560.4); short protein forms R699Q.
Identifiers: ClinVar variation 3117505 (VCV003117505.4), dbSNP rs761703934, ClinGen allele CA9943636.